The following is an entry in ClinVar:

NM_012106.4(ARL2BP):c.294-17_342del

Gene: ARL2BP (ARF like GTPase 2 binding protein; plus strand). Cytogenetic location: 16q13.
Variant type: Deletion.
Coding change: c.294-17_342del on transcript NM_012106.4 (MANE Select); 17 bases into the intron before coding-DNA position 294 through coding-DNA position 342, 66 bases deleted.
Molecular consequence: splice acceptor variant.
Genome position (GRCh38, 1-based): chr16:57,250,394-57,250,459, 66 bases deleted. GRCh37 (hg19): chr16:57,284,306-57,284,371.
Identifiers: ClinVar variation 1525053 (VCV001525053.6), dbSNP rs2146430397, ClinGen allele CA2573152381.

ClinVar aggregate classification (germline): Likely pathogenic (1 of 4 stars; one submission).

Submission:

Labcorp Genetics (formerly Invitae), Labcorp
Classification: Likely pathogenic. Last evaluated: 2023-08-04. Review status: criteria provided, single submitter. Criteria: Invitae Variant Classification Sherloc (09022015). Collection method: clinical testing. Allele origin: germline.
Comment: This variant is not present in population databases (gnomAD no frequency). In summary, the currently available evidence indicates that the variant is pathogenic, but additional data are needed to prove that conclusively. Therefore, this variant has been classified as Likely Pathogenic. Algorithms developed to predict the effect of sequence changes on RNA splicing suggest that this variant may disrupt the consensus splice site. ClinVar contains an entry for this variant (Variation ID: 1525053). This variant has been observed in individual(s) with retinitis pigmentosa (Invitae). This variant results in the deletion of part of exon 5 (c.294-17_342del) of the ARL2BP gene. It is expected to disrupt RNA splicing. Variants that disrupt the donor or acceptor splice site typically lead to a loss of protein function (PMID: 16199547), and loss-of-function variants in ARL2BP are known to be pathogenic (PMID: 23849777, 27790702, 29718757, 30210231).

Literature cited by the submitters: PubMed 16199547; PubMed 23849777; PubMed 27790702; PubMed 29718757; PubMed 30210231.